The following is an entry in ClinVar:

ClinVar aggregate classification (germline): Uncertain significance (1 of 4 stars; one submission).

Submission:

Labcorp Genetics (formerly Invitae), Labcorp
Classification: Uncertain significance. Last evaluated: 2025-11-08. Review status: criteria provided, single submitter. Criteria: Invitae Variant Classification Sherloc (09022015). Collection method: clinical testing. Allele origin: germline.
Comment: This sequence change replaces arginine, which is basic and polar, with cysteine, which is neutral and slightly polar, at codon 66 of the ABL1 protein (p.Arg66Cys). This variant is not present in population databases (gnomAD no frequency). This variant has not been reported in the literature in individuals affected with ABL1-related conditions. Invitae Evidence Modeling of protein sequence and biophysical properties (such as structural, functional, and spatial information, amino acid conservation, physicochemical variation, residue mobility, and thermodynamic stability) has been performed for this missense variant. However, the output from this modeling did not meet the statistical confidence thresholds required to predict the impact of this variant on ABL1 protein function. In summary, the available evidence is currently insufficient to determine the role of this variant in disease. Therefore, it has been classified as a Variant of Uncertain Significance.

NM_005157.6(ABL1):c.139C>T (p.Arg47Cys)

Genes: ABL1 (ABL proto-oncogene 1, non-receptor tyrosine kinase; plus strand), LOC107980440 (ABL breakpoint recombination region; plus strand). Cytogenetic location: 9q34.12.
Variant type: single nucleotide variant.
Coding change: c.139C>T on transcript NM_005157.6 (MANE Select); coding-DNA position 139, C replaced by T.
Protein change: p.Arg47Cys; replaces arginine 47 with cysteine.
Molecular consequence: missense variant.
Genome position (GRCh38, 1-based): chr9:130,854,123, C>T. VCF-style: chr9-130854123-C-T. GRCh37 (hg19) VCF-style: chr9-133729510-C-T.
Other names: c.196C>T, p.Arg66Cys (NM_007313.3); short protein forms R47C, R66C.
Identifiers: ClinVar variation 4810707 (VCV004810707.1).